The following is an entry in ClinVar:

NM_006017.3(PROM1):c.268T>A (p.Tyr90Asn)

Gene: PROM1 (prominin 1; minus strand). Cytogenetic location: 4p15.32.
Variant type: single nucleotide variant.
Coding change: c.268T>A on transcript NM_006017.3 (MANE Select); coding-DNA position 268, T replaced by A.
Protein change: p.Tyr90Asn; replaces tyrosine 90 with asparagine.
Molecular consequence: missense variant.
Genome position (GRCh38, 1-based): chr4:16,038,954, A>T on the plus strand (T>A on the coding strand, the complement: PROM1 is on the minus strand). VCF-style: chr4-16038954-A-T. GRCh37 (hg19) VCF-style: chr4-16040577-A-T.
Other names: c.268T>A, p.Tyr90Asn (NM_001145847.2, NM_001145848.2, NM_001145849.2 and 6 more transcripts); c.268T>A (NM_006017.2); short protein forms Y90N.
Identifiers: ClinVar variation 1446947 (VCV001446947.9), dbSNP rs1346916111, ClinGen allele CA356430058.

ClinVar aggregate classification (germline): Uncertain significance. Review status: criteria provided, multiple submitters, no conflicts (2 of 4 stars). 4 submissions from 4 submitters: Uncertain significance (4). Last evaluated 2025-02-24.

Conditions:
PROM1-related disorder. Also called: PROM1-related disorders; PROM1-related condition.
Inborn genetic diseases. Identifiers: MedGen C0950123, MeSH D030342.

Allele frequency attached by ClinVar (database versions not stated): gnomAD 0.00002; gnomAD exomes 0.00003; TOPMed 0.00005.
gnomAD v4.1: 21 of 1,488,342 alleles (0.0014%); highest among the groups gnomAD compares: Admixed American, 0.0092%; no homozygotes.

Submissions (4):

PreventionGenetics, part of Exact Sciences
Classification: Uncertain significance for PROM1-related condition. Last evaluated: 2025-02-24. Review status: criteria provided, single submitter. Criteria: ACMG Guidelines, 2015. Collection method: clinical testing. Allele origin: germline.
Comment: The PROM1 c.268T>A variant is predicted to result in the amino acid substitution p.Tyr90Asn. To our knowledge, this variant has not been reported in the literature. This variant is reported in 0.0057% of alleles in individuals of Latino descent in gnomAD. At this time, the clinical significance of this variant is uncertain due to the absence of conclusive functional and genetic evidence.

Labcorp Genetics (formerly Invitae), Labcorp
Classification: Uncertain significance. Last evaluated: 2025-01-20. Review status: criteria provided, single submitter. Criteria: Invitae Variant Classification Sherloc (09022015). Collection method: clinical testing. Allele origin: germline.
Comment: This sequence change replaces tyrosine, which is neutral and polar, with asparagine, which is neutral and polar, at codon 90 of the PROM1 protein (p.Tyr90Asn). This variant is present in population databases (no rsID available, gnomAD 0.02%). This variant has not been reported in the literature in individuals affected with PROM1-related conditions. ClinVar contains an entry for this variant (Variation ID: 1446947). An algorithm developed to predict the effect of missense changes on protein structure and function (PolyPhen-2) suggests that this variant is likely to be disruptive. In summary, the available evidence is currently insufficient to determine the role of this variant in disease. Therefore, it has been classified as a Variant of Uncertain Significance.

Ambry Genetics
Classification: Uncertain significance for Inborn genetic diseases. Last evaluated: 2022-11-09. Review status: criteria provided, single submitter. Criteria: Ambry Variant Classification Scheme 2023. Collection method: clinical testing. Allele origin: germline.

Blueprint Genetics
Classification: Uncertain significance. Last evaluated: 2022-09-22. Review status: criteria provided, single submitter. Criteria: ACMG Guidelines, 2015. Collection method: clinical testing. Allele origin: germline.